The following is an entry in ClinVar:

ClinVar aggregate classification (germline): Uncertain significance (1 of 4 stars; one submission).

Conditions:
Nephronophthisis. Also called: Juvenile Nephronophthisis. Identifiers: Orphanet 655, MedGen C0687120, MONDO:0019005, HP:0000090.

Allele frequency attached by ClinVar (database versions not stated): gnomAD 0.00001; TOPMed 0.00001.
gnomAD v4.1: 1 of 1,610,250 alleles (0.000062%); highest among the groups gnomAD compares: African/African-American, 0.0013%; no homozygotes.

Submission:

Labcorp Genetics (formerly Invitae), Labcorp
Classification: Uncertain significance for Nephronophthisis. Last evaluated: 2024-06-03. Review status: criteria provided, single submitter. Criteria: Invitae Variant Classification Sherloc (09022015). Collection method: clinical testing. Allele origin: germline.
Comment: This sequence change replaces alanine, which is neutral and non-polar, with proline, which is neutral and non-polar, at codon 964 of the NPHP4 protein (p.Ala964Pro). This variant is not present in population databases (gnomAD no frequency). This variant has not been reported in the literature in individuals affected with NPHP4-related conditions. ClinVar contains an entry for this variant (Variation ID: 1905173). Advanced modeling of protein sequence and biophysical properties (such as structural, functional, and spatial information, amino acid conservation, physicochemical variation, residue mobility, and thermodynamic stability) has been performed at Invitae for this missense variant, however the output from this modeling did not meet the statistical confidence thresholds required to predict the impact of this variant on NPHP4 protein function. In summary, the available evidence is currently insufficient to determine the role of this variant in disease. Therefore, it has been classified as a Variant of Uncertain Significance.

NM_015102.5(NPHP4):c.2890G>C (p.Ala964Pro)

Gene: NPHP4 (nephrocystin 4; minus strand). Cytogenetic location: 1p36.31.
Variant type: single nucleotide variant.
Coding change: c.2890G>C on transcript NM_015102.5 (MANE Select); coding-DNA position 2890, G replaced by C.
Protein change: p.Ala964Pro; replaces alanine 964 with proline.
Molecular consequence: missense variant. On other transcripts: non-coding transcript variant (1).
Genome position (GRCh38, 1-based): chr1:5,875,028, C>G on the plus strand (G>C on the coding strand, the complement: NPHP4 is on the minus strand). VCF-style: chr1-5875028-C-G. GRCh37 (hg19) VCF-style: chr1-5935088-C-G.
Other names: c.1351G>C, p.Ala451Pro (NM_001291593.2); c.1354G>C, p.Ala452Pro (NM_001291594.2); short protein forms A451P, A452P, A964P.
Identifiers: ClinVar variation 1905173 (VCV001905173.5), dbSNP rs1270844580, ClinGen allele CA338056499.